The following is an entry in ClinVar:

NM_005633.4(SOS1):c.1528T>C (p.Tyr510His)

Gene: SOS1 (SOS Ras/Rac guanine nucleotide exchange factor 1; minus strand). Cytogenetic location: 2p22.1.
Variant type: single nucleotide variant.
Coding change: c.1528T>C on transcript NM_005633.4 (MANE Select); coding-DNA position 1528, T replaced by C.
Protein change: p.Tyr510His; replaces tyrosine 510 with histidine.
Molecular consequence: missense variant.
Genome position (GRCh38, 1-based): chr2:39,022,900, A>G on the plus strand (T>C on the coding strand, the complement: SOS1 is on the minus strand). VCF-style: chr2-39022900-A-G. GRCh37 (hg19) VCF-style: chr2-39250041-A-G.
Other names: c.1507T>C, p.Tyr503His (NM_001382394.1); c.1528T>C, p.Tyr510His (NM_001382395.1); short protein forms Y510H, Y503H.
Identifiers: ClinVar variation 499441 (VCV000499441.7), dbSNP rs201404055, ClinGen allele CA346365963.

ClinVar aggregate classification (germline): Uncertain significance. Review status: criteria provided, multiple submitters, no conflicts (2 of 4 stars). 3 submissions from 3 submitters: Uncertain significance (2). 1 of the submissions does not count toward it. Last evaluated 2025-04-29.

Conditions:
Cardiovascular phenotype. Identifiers: MedGen CN230736.
Noonan syndrome (NS). Also called: Noonan's syndrome. Identifiers: Orphanet 648, MedGen C0028326, MeSH D009634, MONDO:0018997. Disease mechanism: gain of function.

Submissions (3):

Ambry Genetics
Classification: Uncertain significance for Cardiovascular phenotype. Last evaluated: 2025-04-29. Review status: criteria provided, single submitter. Criteria: Ambry Variant Classification Scheme 2023. Collection method: clinical testing. Allele origin: germline.
Comment: The p.Y510H variant (also known as c.1528T>C), located in coding exon 10 of the SOS1 gene, results from a T to C substitution at nucleotide position 1528. The tyrosine at codon 510 is replaced by histidine, an amino acid with similar properties. This amino acid position is conserved. In addition, the in silico prediction for this alteration is inconclusive. Based on the available evidence, the clinical significance of this variant remains unclear.

Eurofins Ntd Llc (ga)
Classification: Uncertain significance. Last evaluated: 2017-01-20. Review status: criteria provided, single submitter. Criteria: EGL Classification Definitions 2015. Collection method: clinical testing. Allele origin: germline. Observed: 1 variant allele, 1 heterozygote.

Service de Génétique Moléculaire, Hôpital Robert Debré
Classification: Uncertain significance for Noonan syndrome. Review status: no assertion criteria provided. Collection method: clinical testing. Allele origin: unknown. Affected: yes. Not counted in ClinVar's aggregate classification.